The following is an entry in ClinVar:

NM_003105.6(SORL1):c.2498C>T (p.Thr833Ile)

Gene: SORL1 (sortilin related receptor 1; plus strand). Cytogenetic location: 11q24.1.
Variant type: single nucleotide variant.
Coding change: c.2498C>T on transcript NM_003105.6 (MANE Select); coding-DNA position 2498, C replaced by T.
Protein change: p.Thr833Ile; replaces threonine 833 with isoleucine.
Molecular consequence: missense variant.
Genome position (GRCh38, 1-based): chr11:121,555,245, C>T. VCF-style: chr11-121555245-C-T. GRCh37 (hg19) VCF-style: chr11-121425954-C-T.
Other names: short protein forms T833I.
Identifiers: ClinVar variation 3630163 (VCV003630163.2).
Genomic context (GRCh38, chr11:121,555,245, plus strand): 5'-AGCGCCTCTGTTTGAATGGAAGCACAGGGCAAGAGGTGATCATCAATTCTGGCCTGGAGA[C>T]AGTAGAAGCTTTGGCTTTTGAACCCCTCAGCCAGCTGCTTTACTGGGTAGATGCAGGCTT-3'
Protein context (NP_003096.2, residues 823-843): QEVIINSGLE[Thr833Ile]VEALAFEPLS

ClinVar aggregate classification (germline): Uncertain significance (1 of 4 stars; one submission).

Submission:

Labcorp Genetics (formerly Invitae), Labcorp
Classification: Uncertain significance. Last evaluated: 2024-03-03. Review status: criteria provided, single submitter. Criteria: Invitae Variant Classification Sherloc (09022015). Collection method: clinical testing. Allele origin: germline.
Comment: This sequence change replaces threonine, which is neutral and polar, with isoleucine, which is neutral and non-polar, at codon 833 of the SORL1 protein (p.Thr833Ile). This variant is not present in population databases (gnomAD no frequency). This variant has not been reported in the literature in individuals affected with SORL1-related conditions. An algorithm developed to predict the effect of missense changes on protein structure and function (PolyPhen-2) suggests that this variant is likely to be disruptive. In summary, the available evidence is currently insufficient to determine the role of this variant in disease. Therefore, it has been classified as a Variant of Uncertain Significance.